The following is an entry in ClinVar:

ClinVar aggregate classification (germline): Uncertain significance (1 of 4 stars; one submission).

Submission:

Labcorp Genetics (formerly Invitae), Labcorp
Classification: Uncertain significance. Last evaluated: 2025-01-19. Review status: criteria provided, single submitter. Criteria: Invitae Variant Classification Sherloc (09022015). Collection method: clinical testing. Allele origin: germline.
Comment: This variant, c.366_386dup, results in the insertion of 7 amino acid(s) of the THAP11 protein (p.Gln126_Gln132dup), but otherwise preserves the integrity of the reading frame. This variant is not present in population databases (gnomAD no frequency). This variant has not been reported in the literature in individuals affected with THAP11-related conditions. In summary, the available evidence is currently insufficient to determine the role of this variant in disease. Therefore, it has been classified as a Variant of Uncertain Significance.

NM_020457.3(THAP11):c.366_386dup (p.Gln132_Ser133insGlnGlnGlnGlnGlnGlnGln)

Genes: CENPT (centromere protein T; minus strand), THAP11 (THAP domain containing 11; plus strand). Cytogenetic location: 16q22.1.
Variant type: Duplication.
Coding change: c.366_386dup on transcript NM_020457.3 (MANE Select); coding-DNA positions 366 to 386, 21 bases duplicated (ACAGCAGCAGCAGCAGCAGCA).
Protein change: p.Gln132_Ser133insGlnGlnGlnGlnGlnGlnGln.
Molecular consequence: inframe insertion. On other transcripts: intron variant (1).
Genome position (GRCh38, 1-based): chr16:67,842,920-67,842,940, ACAGCAGCAGCAGCAGCAGCA duplicated; duplicating any 21 consecutive bases within chr16:67,842,903-67,842,940 gives the same sequence; the c. name uses the placement nearest the transcript's 3' end. VCF-style (leftmost placement, unchanged base first): chr16-67842902-A-ACAGCAGCAGCAGCAGCAACAG. GRCh37 (hg19) VCF-style: chr16-67876805-A-ACAGCAGCAGCAGCAGCAACAG.
Other names: c.-492+4478_-492+4498dup (NM_025082.4).
Identifiers: ClinVar variation 3609519 (VCV003609519.2).
Genomic context (GRCh38, chr16:67,842,902, plus strand): 5'-GGCCGCGGCCGCCCGCCGCAGGCAGCAGCAGCAACAGCAGCAGCAGCAGCAACAGCAGCA[A>ACAGCAGCAGCAGCAGCAACAG]CAGCAGCAGCAGCAGCAACAGCAGCAGCAGCAGCAGCAGCAGCAGCAGTCCTCACCCTCT-3'